The following is an entry in ClinVar:

ClinVar aggregate classification (germline): Benign. Review status: criteria provided, multiple submitters, no conflicts (2 of 4 stars). 4 submissions from 4 submitters: Benign (4). Last evaluated 2026-01-26.

Conditions:
Oroticaciduria. Also called: Orotic aciduria. Identifiers: Orphanet 30, MedGen C0268128, HP:0003218.
Hereditary orotic aciduria, type 1. Also called: Orotic aciduria type 1; Oroticaciduria 1. Identifiers: MedGen C0268130.

Allele frequency attached by ClinVar (database versions not stated): ESP Exome Variant Server 0.00907; gnomAD 0.01116 and 0.01340; TOPMed 0.01376; gnomAD exomes 0.01571 and 0.02250; ExAC 0.02159; 1000 Genomes Project 30x 0.02748; 1000 Genomes Project 0.02756.
gnomAD v4.1: 25,003 of 1,614,206 alleles (1.5%); highest among the groups gnomAD compares: East Asian, 6.1%; 362 homozygotes.

Submissions (4):

Labcorp Genetics (formerly Invitae), Labcorp
Classification: Benign for Hereditary orotic aciduria, type 1. Last evaluated: 2026-01-26. Review status: criteria provided, single submitter. Criteria: Invitae Variant Classification Sherloc (09022015). Collection method: clinical testing. Allele origin: germline.

GeneDx
Classification: Benign. Last evaluated: 2019-01-04. Review status: criteria provided, single submitter. Criteria: GeneDx Variant Classification Process June 2021. Collection method: clinical testing. Allele origin: germline. Affected: yes.

Illumina Laboratory Services, Illumina
Classification: Benign for Hereditary orotic aciduria. Last evaluated: 2018-01-13. Review status: criteria provided, single submitter. Criteria: ICSL Variant Classification Criteria 13 December 2019. Collection method: clinical testing. Allele origin: germline.
Comment: This variant was observed in the ICSL laboratory as part of a predisposition screen in an ostensibly healthy population. It had not been previously curated by ICSL or reported in the Human Gene Mutation Database (HGMD: prior to June 1st, 2018), and was therefore a candidate for classification through an automated scoring system. Utilizing variant allele frequency, disease prevalence and penetrance estimates, and inheritance mode, an automated score was calculated to assess if this variant is too frequent to cause the disease. Based on the score and internal cut-off values, a variant classified as benign is not then subjected to further curation. The score for this variant resulted in a classification of benign for this disease.

Breakthrough Genomics
Classification: Benign. Review status: criteria provided, single submitter. Criteria: ACMG Guidelines, 2015. Collection method: not provided. Allele origin: germline. Inheritance: Autosomal recessive inheritance. Affected: yes.

NM_000373.4(UMPS):c.1336A>G (p.Ile446Val)

Gene: UMPS (uridine monophosphate synthetase; plus strand). Cytogenetic location: 3q21.2.
Variant type: single nucleotide variant.
Coding change: c.1336A>G on transcript NM_000373.4 (MANE Select); coding-DNA position 1336, A replaced by G.
Protein change: p.Ile446Val; replaces isoleucine 446 with valine.
Molecular consequence: missense variant. On other transcripts: non-coding transcript variant (2).
Genome position (GRCh38, 1-based): chr3:124,743,977, A>G. VCF-style: chr3-124743977-A-G. GRCh37 (hg19) VCF-style: chr3-124462824-A-G.
Other names: short protein forms I446V.
Identifiers: ClinVar variation 342935 (VCV000342935.16), dbSNP rs3772809, ClinGen allele CA2581881.
Genomic context (GRCh38, chr3:124,743,977, plus strand): 5'-GATAATCTTGGCCAACAGTACAATAGCCCACAAGAAGTTATTGGCAAACGAGGTTCCGAT[A>G]TCATCATTGTAGGTCGTGGCATAATCTCAGCAGCTGATCGTCTGGAAGCAGCAGAGATGT-3'
Protein context (NP_000364.1, residues 436-456): QEVIGKRGSD[Ile446Val]IIVGRGIISA